The following is an entry in ClinVar:

ClinVar aggregate classification (germline): Likely benign. Review status: criteria provided, multiple submitters, no conflicts (2 of 4 stars). 2 submissions from 2 submitters: Likely benign (2). Last evaluated 2024-08-01.

gnomAD v4.1: 137 of 1,614,070 alleles (0.0085%); highest among the groups gnomAD compares: South Asian, 0.023%; no homozygotes.

Submissions (2):

CeGaT Center for Human Genetics Tuebingen
Classification: Likely benign. Last evaluated: 2024-08-01. Review status: criteria provided, single submitter. Criteria: CeGaT Center For Human Genetics Tuebingen Variant Classification Criteria Version 2. Collection method: clinical testing. Allele origin: germline. Affected: yes. Observed: 2 variant alleles.
Comment: SHANK2: BP4, BP7

Genetic Services Laboratory, University of Chicago
Classification: Likely benign. Last evaluated: 2018-03-06. Review status: criteria provided, single submitter. Criteria: ACMG Guidelines, 2015. Collection method: clinical testing. Allele origin: germline. Affected: no.

NM_012309.5(SHANK2):c.2529G>T (p.Thr843=)

Gene: SHANK2 (SH3 and multiple ankyrin repeat domains 2; minus strand). Cytogenetic location: 11q13.3.
Variant type: single nucleotide variant.
Coding change: c.2529G>T on transcript NM_012309.5 (MANE Select); coding-DNA position 2529, G replaced by T.
Protein change: p.Thr843=; no amino-acid change (threonine 843 retained).
Molecular consequence: synonymous variant.
Genome position (GRCh38, 1-based): chr11:70,490,298, C>A on the plus strand (G>T on the coding strand, the complement: SHANK2 is on the minus strand). VCF-style: chr11-70490298-C-A. GRCh37 (hg19) VCF-style: chr11-70336403-C-A.
Other names: c.1392G>T, p.Thr464= (NM_001379226.1); c.765G>T, p.Thr255= (NM_133266.5).
Identifiers: ClinVar variation 1336581 (VCV001336581.20), dbSNP rs782139196, ClinGen allele CA6161315.